The following is an entry in ClinVar:

ClinVar aggregate classification (germline): Uncertain significance. Review status: criteria provided, multiple submitters, no conflicts (2 of 4 stars). 2 submissions from 2 submitters: Uncertain significance (2). Last evaluated 2025-09-19.

Conditions:
Hereditary cancer-predisposing syndrome. Also called: Tumor predisposition; Neoplastic Syndromes, Hereditary; Hereditary Cancer Syndrome; Hereditary neoplastic syndrome. Identifiers: Orphanet 140162, MedGen C0027672, MeSH D009386, MONDO:0015356.
Ataxia-telangiectasia syndrome (AT). Also called: LOUIS-BAR SYNDROME; Cerebello-oculocutaneous telangiectasia; Immunodeficiency with ataxia telangiectasia; Ataxia-telangiectasia, complementation group D; AT, COMPLEMENTATION GROUP C; ATAXIA-TELANGIECTASIA, COMPLEMENTATION GROUP A. Identifiers: Orphanet 100, MedGen C0004135, MONDO:0008840, OMIM 208900.

Submissions (2):

Ambry Genetics
Classification: Uncertain significance for Hereditary cancer-predisposing syndrome. Last evaluated: 2025-09-19. Review status: criteria provided, single submitter. Criteria: Ambry Variant Classification Scheme 2023. Collection method: clinical testing. Allele origin: germline.
Comment: The p.M563T variant (also known as c.1688T>C), located in coding exon 10 of the ATM gene, results from a T to C substitution at nucleotide position 1688. The methionine at codon 563 is replaced by threonine, an amino acid with similar properties. This amino acid position is poorly conserved in available vertebrate species. In addition, this alteration is predicted to be tolerated by in silico analysis. Since supporting evidence is limited at this time, the clinical significance of this alteration remains unclear.

Labcorp Genetics (formerly Invitae), Labcorp
Classification: Uncertain significance for Ataxia-telangiectasia syndrome. Last evaluated: 2025-04-10. Review status: criteria provided, single submitter. Criteria: Invitae Variant Classification Sherloc (09022015). Collection method: clinical testing. Allele origin: germline.
Comment: This sequence change replaces methionine, which is neutral and non-polar, with threonine, which is neutral and polar, at codon 563 of the ATM protein (p.Met563Thr). This variant is not present in population databases (gnomAD no frequency). This variant has not been reported in the literature in individuals affected with ATM-related conditions. ClinVar contains an entry for this variant (Variation ID: 1778062). Invitae Evidence Modeling of protein sequence and biophysical properties (such as structural, functional, and spatial information, amino acid conservation, physicochemical variation, residue mobility, and thermodynamic stability) indicates that this missense variant is not expected to disrupt ATM protein function with a negative predictive value of 95%. In summary, the available evidence is currently insufficient to determine the role of this variant in disease. Therefore, it has been classified as a Variant of Uncertain Significance.

NM_000051.4(ATM):c.1688T>C (p.Met563Thr)

Gene: ATM (ATM serine/threonine kinase; plus strand). Cytogenetic location: 11q22.3.
Variant type: single nucleotide variant.
Coding change: c.1688T>C on transcript NM_000051.4 (MANE Select); coding-DNA position 1688, T replaced by C.
Protein change: p.Met563Thr; replaces methionine 563 with threonine.
Molecular consequence: missense variant.
Genome position (GRCh38, 1-based): chr11:108,251,917, T>C. VCF-style: chr11-108251917-T-C. GRCh37 (hg19) VCF-style: chr11-108122644-T-C.
Other names: c.1688T>C, p.Met563Thr (NM_001351834.2); short protein forms M563T.
Identifiers: ClinVar variation 1778062 (VCV001778062.6), dbSNP rs750815208, ClinGen allele CA382535196.